The following is an entry in ClinVar:

ClinVar aggregate classification (germline): Conflicting classifications of pathogenicity. Review status: criteria provided, conflicting classifications (1 of 4 stars). 4 submissions from 4 submitters: Uncertain significance (3); Likely benign (1). Last evaluated 2025-10-10.

Conditions:
Familial meningioma. Also called: Meningioma, familial, susceptibility to. Identifiers: Orphanet 263662, MedGen C3551915, MONDO:0011789, OMIM 607174.
Hereditary cancer-predisposing syndrome. Also called: Neoplastic Syndromes, Hereditary; Hereditary neoplastic syndrome; Tumor predisposition; Hereditary Cancer Syndrome. Identifiers: Orphanet 140162, MedGen C0027672, MeSH D009386, MONDO:0015356.

Allele frequency attached by ClinVar (database versions not stated): gnomAD 0.00001 and 0.00002; TOPMed 0.00001.
gnomAD v4.1: 34 of 1,613,732 alleles (0.0021%); highest among the groups gnomAD compares: South Asian, 0.0033%; no homozygotes.

Submissions (4):

Labcorp Genetics (formerly Invitae), Labcorp
Classification: Uncertain significance for Familial meningioma. Last evaluated: 2025-10-10. Review status: criteria provided, single submitter. Criteria: Invitae Variant Classification Sherloc (09022015). Collection method: clinical testing. Allele origin: germline.
Comment: This sequence change replaces proline, which is neutral and non-polar, with leucine, which is neutral and non-polar, at codon 339 of the SMARCE1 protein (p.Pro339Leu). This variant is present in population databases (no rsID available, gnomAD 0.004%). This variant has not been reported in the literature in individuals affected with SMARCE1-related conditions. ClinVar contains an entry for this variant (Variation ID: 407078). Invitae Evidence Modeling of protein sequence and biophysical properties (such as structural, functional, and spatial information, amino acid conservation, physicochemical variation, residue mobility, and thermodynamic stability) indicates that this missense variant is not expected to disrupt SMARCE1 protein function with a negative predictive value of 80%. In summary, the available evidence is currently insufficient to determine the role of this variant in disease. Therefore, it has been classified as a Variant of Uncertain Significance.

CeGaT Center for Human Genetics Tuebingen
Classification: Uncertain significance. Last evaluated: 2024-03-01. Review status: criteria provided, single submitter. Criteria: CeGaT Center For Human Genetics Tuebingen Variant Classification Criteria Version 2. Collection method: clinical testing. Allele origin: germline. Affected: yes. Observed: 1 variant allele.
Comment: SMARCE1: PM2:Supporting, BP4

GeneDx
Classification: Uncertain significance. Last evaluated: 2023-06-28. Review status: criteria provided, single submitter. Criteria: GeneDx Variant Classification Process June 2021. Collection method: clinical testing. Allele origin: germline. Affected: yes.
Comment: In silico analysis supports that this missense variant has a deleterious effect on protein structure/function; Has not been previously published as pathogenic or benign to our knowledge; This variant is associated with the following publications: (PMID: 19245665)

Ambry Genetics
Classification: Likely benign for Hereditary cancer-predisposing syndrome. Last evaluated: 2022-12-07. Review status: criteria provided, single submitter. Criteria: Ambry Variant Classification Scheme 2023. Collection method: clinical testing. Allele origin: germline.

NM_003079.5(SMARCE1):c.1016C>T (p.Pro339Leu)

Gene: SMARCE1 (SWI/SNF related BAF chromatin remodeling complex subunit E1; minus strand). Cytogenetic location: 17q21.2.
Variant type: single nucleotide variant.
Coding change: c.1016C>T on transcript NM_003079.5 (MANE Select); coding-DNA position 1016, C replaced by T.
Protein change: p.Pro339Leu; replaces proline 339 with leucine.
Molecular consequence: missense variant.
Genome position (GRCh38, 1-based): chr17:40,630,725, G>A on the plus strand (C>T on the coding strand, the complement: SMARCE1 is on the minus strand). VCF-style: chr17-40630725-G-A. GRCh37 (hg19) VCF-style: chr17-38786977-G-A.
Other names: short protein forms P339L.
Identifiers: ClinVar variation 407078 (VCV000407078.36), dbSNP rs1060501398, ClinGen allele CA16615326.